The following is an entry in ClinVar:

ClinVar aggregate classification (germline): Benign/Likely benign. Review status: criteria provided, multiple submitters, no conflicts (2 of 4 stars). 5 submissions from 5 submitters: Benign (2); Likely benign (3). Last evaluated 2026-02-04.

Conditions:
Ellis-van Creveld syndrome (EVC). Also called: MESOECTODERMAL DYSPLASIA; Chondroectodermal dysplasia. Identifiers: Orphanet 289, MedGen C0013903, MONDO:0009162, OMIM 225500.
Curry-Hall syndrome (WAD). Also called: WEYERS ACRODENTAL DYSOSTOSIS. Identifiers: Orphanet 952, MedGen C0457013, MONDO:0008673, OMIM 193530.

Allele frequency attached by ClinVar (database versions not stated): gnomAD exomes 0.00031 and 0.00089; gnomAD 0.00366 and 0.00345; TOPMed 0.00373; ESP Exome Variant Server 0.00431; 1000 Genomes Project 0.00499; 1000 Genomes Project 30x 0.00562; ExAC 0.00123.
gnomAD v4.1: 976 of 1,608,450 alleles (0.061%); highest among the groups gnomAD compares: African/African-American, 1.2%; 5 homozygotes.

Submissions (5):

Labcorp Genetics (formerly Invitae), Labcorp
Classification: Benign for Curry-Hall syndrome; Ellis-van Creveld syndrome. Last evaluated: 2026-02-04. Review status: criteria provided, single submitter. Criteria: Invitae Variant Classification Sherloc (09022015). Collection method: clinical testing. Allele origin: germline.

Blueprint Genetics
Classification: Likely benign. Last evaluated: 2024-09-23. Review status: criteria provided, single submitter. Criteria: ACMG Guidelines, 2015. Collection method: clinical testing. Allele origin: germline.

Illumina Laboratory Services, Illumina
Classification: Benign for Ellis-van Creveld syndrome. Last evaluated: 2018-01-13. Review status: criteria provided, single submitter. Criteria: ICSL Variant Classification Criteria 13 December 2019. Collection method: clinical testing. Allele origin: germline.
Comment: This variant was observed in the ICSL laboratory as part of a predisposition screen in an ostensibly healthy population. It had not been previously curated by ICSL or reported in the Human Gene Mutation Database (HGMD: prior to June 1st, 2018), and was therefore a candidate for classification through an automated scoring system. Utilizing variant allele frequency, disease prevalence and penetrance estimates, and inheritance mode, an automated score was calculated to assess if this variant is too frequent to cause the disease. Based on the score and internal cut-off values, a variant classified as benign is not then subjected to further curation. The score for this variant resulted in a classification of benign for this disease.

GeneDx
Classification: Likely benign. Last evaluated: 2016-08-26. Review status: criteria provided, single submitter. Criteria: GeneDx Variant Classification (06012015). Collection method: clinical testing. Allele origin: germline. Affected: yes.
Comment: This variant is considered likely benign or benign based on one or more of the following criteria: it is a conservative change, it occurs at a poorly conserved position in the protein, it is predicted to be benign by multiple in silico algorithms, and/or has population frequency not consistent with disease.

Breakthrough Genomics
Classification: Likely benign. Review status: criteria provided, single submitter. Criteria: ACMG Guidelines, 2015. Collection method: not provided. Allele origin: germline. Inheritance: Autosomal recessive inheritance. Affected: yes.

NM_147127.5(EVC2):c.3375A>G (p.Ala1125=)

Gene: EVC2 (EvC ciliary complex subunit 2; minus strand). Cytogenetic location: 4p16.2.
Variant type: single nucleotide variant.
Coding change: c.3375A>G on transcript NM_147127.5 (MANE Select); coding-DNA position 3375, A replaced by G.
Protein change: p.Ala1125=; no amino-acid change (alanine 1125 retained).
Molecular consequence: synonymous variant.
Genome position (GRCh38, 1-based): chr4:5,568,626, T>C on the plus strand (A>G on the coding strand, the complement: EVC2 is on the minus strand). VCF-style: chr4-5568626-T-C. GRCh37 (hg19) VCF-style: chr4-5570353-T-C.
Other names: c.3135A>G, p.Ala1045= (NM_001166136.2).
Identifiers: ClinVar variation 380463 (VCV000380463.18), dbSNP rs116076068, ClinGen allele CA2834337.
Genomic context (GRCh38, chr4:5,568,626, plus strand): 5'-CACACTCAGGAGCCGGCGAAGCGTGGCCCCGGGCACCATGGCCATCCTCGCCAGGTACGA[T>C]GCCAGTCTCAGCTCCTACAGGAAACAACAGAGGGAGTTCAGACCCTCGCCGCCTCTCAAC-3'
Protein context (NP_667338.3, residues 1115-1135): ATLCSQELRL[Ala1125=]SYLARMAMVP